The following is an entry in ClinVar:

NM_003809.3(TNFSF12):c.412A>C (p.Ile138Leu)

Genes: TNFSF12 (TNF superfamily member 12; plus strand), TNFSF12-TNFSF13 (TNFSF12-TNFSF13 readthrough; plus strand). Cytogenetic location: 17p13.1.
Variant type: single nucleotide variant.
Coding change: c.412A>C on transcript NM_003809.3 (MANE Select); coding-DNA position 412, A replaced by C.
Protein change: p.Ile138Leu; replaces isoleucine 138 with leucine.
Molecular consequence: missense variant. On other transcripts: non-coding transcript variant (1).
Genome position (GRCh38, 1-based): chr17:7,556,816, A>C. VCF-style: chr17-7556816-A-C. GRCh37 (hg19) VCF-style: chr17-7460133-A-C.
Other names: c.412A>C, p.Ile138Leu (NM_172089.4); short protein forms I138L.
Identifiers: ClinVar variation 2902962 (VCV002902962.3), dbSNP rs2508358136, ClinGen allele CA397860728.
Genomic context (GRCh38, chr17:7,556,816, plus strand): 5'-ATCTCTGAGCATCCGTGTTCAGGTGTGGACGGGACAGTGAGTGGCTGGGAGGAAGCCAGA[A>C]TCAACAGCTCCAGCCCTCTGCGCTACAACCGCCAGATCGGGGAGTTTATAGTCACCCGGG-3'
Protein context (NP_003800.1, residues 128-148): GTVSGWEEAR[Ile138Leu]NSSSPLRYNR

ClinVar aggregate classification (germline): Uncertain significance (1 of 4 stars; one submission).

Conditions:
Common variable immunodeficiency (CVID). Also called: Common variable hypogamma-globulinemia; Common variable agammaglobulinemia. Identifiers: Orphanet 1572, MedGen C0009447, MONDO:0015517.

Allele frequency attached by ClinVar (database versions not stated): gnomAD exomes below 0.00001.
gnomAD v4.1: 1 of 1,550,454 alleles (0.000064%); highest among the groups gnomAD compares: Admixed American, 0.002%; no homozygotes.

Submission:

Labcorp Genetics (formerly Invitae), Labcorp
Classification: Uncertain significance for Common variable immunodeficiency. Last evaluated: 2023-12-10. Review status: criteria provided, single submitter. Criteria: Invitae Variant Classification Sherloc (09022015). Collection method: clinical testing. Allele origin: germline.
Comment: This sequence change replaces isoleucine, which is neutral and non-polar, with leucine, which is neutral and non-polar, at codon 138 of the TNFSF12 protein (p.Ile138Leu). This variant is not present in population databases (gnomAD no frequency). This variant has not been reported in the literature in individuals affected with TNFSF12-related conditions. An algorithm developed to predict the effect of missense changes on protein structure and function (PolyPhen-2) suggests that this variant is likely to be disruptive. In summary, the available evidence is currently insufficient to determine the role of this variant in disease. Therefore, it has been classified as a Variant of Uncertain Significance.